The following is an entry in ClinVar:

ClinVar aggregate classification (germline): Uncertain significance (1 of 4 stars; one submission).

Conditions:
Congenital myasthenic syndrome 4A. Also called: Myasthenic syndrome, congenital, 4a, slow-channel; MYASTHENIC SYNDROME, CONGENITAL, 4A, SLOW-CHANNEL, AUTOSOMAL RECESSIVE; CONGENITAL MYASTHENIC SYNDROME TYPE Ia1. Identifiers: Orphanet 590, MedGen C4225413, MONDO:0011600, OMIM 605809.

Allele frequency attached by ClinVar (database versions not stated): gnomAD exomes 0.00001.
gnomAD v4.1: 12 of 1,611,098 alleles (0.00074%); highest among the groups gnomAD compares: South Asian, 0.0011%; no homozygotes.

Submission:

Labcorp Genetics (formerly Invitae), Labcorp
Classification: Uncertain significance for Congenital myasthenic syndrome 4A. Last evaluated: 2022-07-19. Review status: criteria provided, single submitter. Criteria: Invitae Variant Classification Sherloc (09022015). Collection method: clinical testing. Allele origin: germline.
Comment: This sequence change replaces arginine, which is basic and polar, with histidine, which is basic and polar, at codon 216 of the CHRNE protein (p.Arg216His). The frequency data for this variant in the population databases is considered unreliable, as metrics indicate poor data quality at this position in the gnomAD database. This variant has not been reported in the literature in individuals affected with CHRNE-related conditions. ClinVar contains an entry for this variant (Variation ID: 1411017). Advanced modeling of protein sequence and biophysical properties (such as structural, functional, and spatial information, amino acid conservation, physicochemical variation, residue mobility, and thermodynamic stability) performed at Invitae indicates that this missense variant is not expected to disrupt CHRNE protein function. In summary, the available evidence is currently insufficient to determine the role of this variant in disease. Therefore, it has been classified as a Variant of Uncertain Significance.

NM_000080.4(CHRNE):c.647G>A (p.Arg216His)

Genes: C17orf107 (chromosome 17 open reading frame 107; plus strand), CHRNE (cholinergic receptor nicotinic epsilon subunit; minus strand). Cytogenetic location: 17p13.2.
Variant type: single nucleotide variant.
Coding change: c.647G>A on transcript NM_000080.4 (MANE Select); coding-DNA position 647, G replaced by A.
Protein change: p.Arg216His; replaces arginine 216 with histidine.
Molecular consequence: missense variant. On other transcripts: 3 prime UTR variant (1).
Genome position (GRCh38, 1-based): chr17:4,901,145, C>T on the plus strand (G>A on the coding strand, the complement: CHRNE is on the minus strand). VCF-style: chr17-4901145-C-T. GRCh37 (hg19) VCF-style: chr17-4804440-C-T.
Other names: c.*612C>T (NM_001145536.2); short protein forms R216H.
Identifiers: ClinVar variation 1411017 (VCV001411017.5), dbSNP rs1359029030, ClinGen allele CA397305188.